The following is an entry in ClinVar:

ClinVar aggregate classification (germline): Uncertain significance (1 of 4 stars; one submission).

Conditions:
Cardiovascular phenotype. Identifiers: MedGen CN230736.

Submission:

Ambry Genetics
Classification: Uncertain significance for Cardiovascular phenotype. Last evaluated: 2024-11-18. Review status: criteria provided, single submitter. Criteria: Ambry Variant Classification Scheme 2023. Collection method: clinical testing. Allele origin: germline.
Comment: The p.N258Y variant (also known as c.772A>T), located in coding exon 2 of the KCNJ8 gene, results from an A to T substitution at nucleotide position 772. The asparagine at codon 258 is replaced by tyrosine, an amino acid with dissimilar properties. This amino acid position is conserved. In addition, the in silico prediction for this alteration is inconclusive. Based on the available evidence, the clinical significance of this variant remains unclear.

NM_004982.4(KCNJ8):c.772A>T (p.Asn258Tyr)

Genes: KCNJ8 (potassium inwardly rectifying channel subfamily J member 8; minus strand), KCNJ8-AS1 (KCNJ8 antisense RNA 1; plus strand). Cytogenetic location: 12p12.1.
Variant type: single nucleotide variant.
Coding change: c.772A>T on transcript NM_004982.4 (MANE Select); coding-DNA position 772, A replaced by T.
Protein change: p.Asn258Tyr; replaces asparagine 258 with tyrosine.
Molecular consequence: missense variant.
Genome position (GRCh38, 1-based): chr12:21,766,226, T>A on the plus strand (A>T on the coding strand, the complement: KCNJ8 is on the minus strand). VCF-style: chr12-21766226-T-A. GRCh37 (hg19) VCF-style: chr12-21919160-T-A.
Other names: short protein forms N258Y.
Identifiers: ClinVar variation 3532522 (VCV003532522.1).